The following is an entry in ClinVar:

ClinVar aggregate classification (germline): Uncertain significance (1 of 4 stars; one submission).

gnomAD v4.1: 5 of 1,613,982 alleles (0.00031%); highest among the groups gnomAD compares: South Asian, 0.0011%; no homozygotes.

Submission:

Labcorp Genetics (formerly Invitae), Labcorp
Classification: Uncertain significance. Last evaluated: 2025-05-04. Review status: criteria provided, single submitter. Criteria: Invitae Variant Classification Sherloc (09022015). Collection method: clinical testing. Allele origin: germline.
Comment: This sequence change replaces aspartic acid, which is acidic and polar, with asparagine, which is neutral and polar, at codon 515 of the MCM5 protein (p.Asp515Asn). This variant is present in population databases (rs761749738, gnomAD 0.0009%). This variant has not been reported in the literature in individuals affected with MCM5-related conditions. Invitae Evidence Modeling of protein sequence and biophysical properties (such as structural, functional, and spatial information, amino acid conservation, physicochemical variation, residue mobility, and thermodynamic stability) indicates that this missense variant is expected to disrupt MCM5 protein function with a positive predictive value of 80%. In summary, the available evidence is currently insufficient to determine the role of this variant in disease. Therefore, it has been classified as a Variant of Uncertain Significance.

NM_006739.4(MCM5):c.1543G>A (p.Asp515Asn)

Gene: MCM5 (minichromosome maintenance complex component 5; plus strand). Cytogenetic location: 22q12.3.
Variant type: single nucleotide variant.
Coding change: c.1543G>A on transcript NM_006739.4 (MANE Select); coding-DNA position 1543, G replaced by A.
Protein change: p.Asp515Asn; replaces aspartic acid 515 with asparagine.
Molecular consequence: missense variant.
Genome position (GRCh38, 1-based): chr22:35,416,767, G>A. VCF-style: chr22-35416767-G-A. GRCh37 (hg19) VCF-style: chr22-35812760-G-A.
Other names: short protein forms D515N.
Identifiers: ClinVar variation 4775366 (VCV004775366.1).
Genomic context (GRCh38, chr22:35,416,767, plus strand): 5'-TGGGATGAGACGAAGGGGGAGGACAACATTGACTTCATGCCCACCATCTTGTCGCGCTTC[G>A]ACATGATCTTCATCGTCAAGGATGAGCACAATGAGGAGAGGGATGTGGTACGTCCAGGGG-3'
Protein context (NP_006730.2, residues 505-525): DFMPTILSRF[Asp515Asn]MIFIVKDEHN